The following is an entry in ClinVar:

NM_002074.5(GNB1):c.55C>T (p.Arg19Ter)

Gene: GNB1 (G protein subunit beta 1; minus strand). Cytogenetic location: 1p36.33.
Variant type: single nucleotide variant.
Coding change: c.55C>T on transcript NM_002074.5 (MANE Select); coding-DNA position 55, C replaced by T.
Protein change: p.Arg19Ter; replaces arginine 19 with a stop codon.
Molecular consequence: nonsense. On other transcripts: 5 prime UTR variant (1).
Genome position (GRCh38, 1-based): chr1:1,825,399, G>A on the plus strand (C>T on the coding strand, the complement: GNB1 is on the minus strand). VCF-style: chr1-1825399-G-A. GRCh37 (hg19) VCF-style: chr1-1756838-G-A.
Other names: c.-100C>T (NM_001282538.2); c.55C>T, p.Arg19Ter (NM_001282539.2); short protein forms R19*.
Identifiers: ClinVar variation 1433729 (VCV001433729.6), dbSNP rs2100991976, ClinGen allele CA337923823.

ClinVar aggregate classification (germline): Pathogenic (1 of 4 stars; one submission).

Submission:

Labcorp Genetics (formerly Invitae), Labcorp
Classification: Pathogenic. Last evaluated: 2024-04-17. Review status: criteria provided, single submitter. Criteria: Invitae Variant Classification Sherloc (09022015). Collection method: clinical testing. Allele origin: germline.
Comment: This sequence change creates a premature translational stop signal (p.Arg19*) in the GNB1 gene. It is expected to result in an absent or disrupted protein product. Loss-of-function variants in GNB1 are known to be pathogenic (PMID: 25485910, 27108799, 28087732, 32918542). This variant is not present in population databases (gnomAD no frequency). This variant has not been reported in the literature in individuals affected with GNB1-related conditions. ClinVar contains an entry for this variant (Variation ID: 1433729). Experimental studies and prediction algorithms are not available or were not evaluated, and the functional significance of this variant is currently unknown. For these reasons, this variant has been classified as Pathogenic.

Literature cited by the submitters: PubMed 25485910; PubMed 27108799; PubMed 28087732; PubMed 32918542.